The following is an entry in ClinVar:

ClinVar aggregate classification (germline): Uncertain significance (1 of 4 stars; one submission).

Conditions:
PLXNA3-related disorder. Also called: PLXNA3-related condition.

Submission:

PreventionGenetics, part of Exact Sciences
Classification: Uncertain significance for PLXNA3-related condition. Last evaluated: 2025-04-14. Review status: criteria provided, single submitter. Criteria: ACMG Guidelines, 2015. Collection method: clinical testing. Allele origin: germline.
Comment: The PLXNA3 c.280G>A variant is predicted to result in the amino acid substitution p.Asp94Asn. To our knowledge, this variant has not been reported in the literature or in a large population database (gnomAD), indicating this variant is rare. At this time, the clinical significance of this variant is uncertain due to the absence of conclusive functional and genetic evidence.

NM_017514.5(PLXNA3):c.280G>A (p.Asp94Asn)

Gene: PLXNA3 (plexin A3; plus strand). Cytogenetic location: Xq28.
Variant type: single nucleotide variant.
Coding change: c.280G>A on transcript NM_017514.5 (MANE Select); coding-DNA position 280, G replaced by A.
Protein change: p.Asp94Asn; replaces aspartic acid 94 with asparagine.
Molecular consequence: missense variant.
Genome position (GRCh38, 1-based): chrX:154,460,463, G>A. VCF-style: chrX-154460463-G-A. GRCh37 (hg19) VCF-style: chrX-153688803-G-A.
Other names: short protein forms D94N.
Identifiers: ClinVar variation 4998880 (VCV004998880.1).